The following is an entry in ClinVar:

ClinVar aggregate classification (germline): Benign. Review status: criteria provided, multiple submitters, no conflicts (2 of 4 stars). 3 submissions from 3 submitters: Benign (2). 1 of the submissions does not count toward it. Last evaluated 2019-12-31.

Conditions:
MYO16-related disorder. Also called: MYO16-related condition.

Allele frequency attached by ClinVar (database versions not stated): gnomAD 0.00098 and 0.00210; TOPMed 0.00133; ESP Exome Variant Server 0.00169; gnomAD exomes 0.00330 and 0.00539; ExAC 0.00601; 1000 Genomes Project 30x 0.00812; 1000 Genomes Project 0.00978.
gnomAD v4.1: 5,178 of 1,614,144 alleles (0.32%); highest among the groups gnomAD compares: South Asian, 3.3%; 94 homozygotes.

Submissions (3):

Labcorp Genetics (formerly Invitae), Labcorp
Classification: Benign. Last evaluated: 2019-12-31. Review status: criteria provided, single submitter. Criteria: Invitae Variant Classification Sherloc (09022015). Collection method: clinical testing. Allele origin: germline.

Breakthrough Genomics
Classification: Benign. Review status: criteria provided, single submitter. Criteria: ACMG Guidelines, 2015. Collection method: not provided. Allele origin: germline. Inheritance: Unknown mechanism. Affected: yes.

PreventionGenetics, part of Exact Sciences
Classification: Likely benign for MYO16-related condition. Last evaluated: 2019-04-01. Review status: no assertion criteria provided. Collection method: clinical testing. Allele origin: germline. Not counted in ClinVar's aggregate classification.
Comment: This variant is classified as likely benign based on ACMG/AMP sequence variant interpretation guidelines (Richards et al. 2015 PMID: 25741868, with internal and published modifications).

NM_001198950.3(MYO16):c.165G>A (p.Glu55=)

Gene: MYO16 (myosin XVI; plus strand). Cytogenetic location: 13q33.3.
Variant type: single nucleotide variant.
Coding change: c.165G>A on transcript NM_001198950.3 (MANE Select); coding-DNA position 165, G replaced by A.
Protein change: p.Glu55=; no amino-acid change (glutamic acid 55 retained).
Molecular consequence: synonymous variant.
Genome position (GRCh38, 1-based): chr13:108,666,022, G>A. VCF-style: chr13-108666022-G-A. GRCh37 (hg19) VCF-style: chr13-109318370-G-A.
Other names: c.99G>A, p.Glu33= (NM_015011.3).
Identifiers: ClinVar variation 790871 (VCV000790871.7), dbSNP rs117770145, ClinGen allele CA7044321.
Genomic context (GRCh38, chr13:108,666,022, plus strand): 5'-TGGCCAACGGCAGCGTCTAGTGAAGCGCATGCGCTGTGAGCAAATCAAAGCCTACTATGA[G>A]CGCGAGAAGGCTTTTCAGAAGCAGGAAGGGTTCCTGAAAAGGCTGAAGCATGCGAAGAAT-3'
Protein context (NP_001185879.1, residues 45-65): MRCEQIKAYY[Glu55=]REKAFQKQEG